The following is an entry in ClinVar:

NM_001353214.3(DYM):c.1728+2T>C

Gene: DYM (dymeclin; minus strand). Cytogenetic location: 18q21.1.
Variant type: single nucleotide variant.
Coding change: c.1728+2T>C on transcript NM_001353214.3 (MANE Select); the canonical splice donor site of the intron after coding-DNA position 1728, T replaced by C.
Molecular consequence: splice donor variant.
Genome position (GRCh38, 1-based): chr18:49,163,683, A>G on the plus strand (T>C on the coding strand, the complement: DYM is on the minus strand). VCF-style: chr18-49163683-A-G. GRCh37 (hg19) VCF-style: chr18-46690053-A-G.
Other names: c.1557+2T>C (NM_001374439.1); c.1722+2T>C (NM_001374429.1); c.1560+2T>C (NM_001353211.3, NM_001374438.1, NM_001374435.1 and 1 more transcripts); c.1725+2T>C (NM_001353212.3, NM_001353213.3); c.990+2T>C (NM_001374443.1); c.993+2T>C (NM_001374444.1, NM_001374442.1); c.1158+2T>C (NM_001374441.1); c.1335+2T>C (NM_001374440.1); and 5 more.
Identifiers: ClinVar variation 1048090 (VCV001048090.4), dbSNP rs2087482291, ClinGen allele CA402508908.
Genomic context (GRCh38, chr18:49,163,683, plus strand): 5'-CAGGAGTTACTGTGCCTGGCTGAAAGGAAAATTTTTTATTGATGAATAAGGTAACTACTT[A>G]CATAATCTGGTAGAGGAACATCATTAGAACTCAGCGAACCTCTCAAGGACTGTGTGGCTT-3'

ClinVar aggregate classification (germline): Pathogenic/Likely pathogenic. Review status: criteria provided, multiple submitters, no conflicts (2 of 4 stars). 2 submissions from 2 submitters: Pathogenic (1); Likely pathogenic (1). Last evaluated 2022-05-09.

Conditions:
Dyggve-Melchior-Clausen syndrome (DMC). Also called: Dyggve-Melchior-Clausen disease; DMC syndrome. Identifiers: Orphanet 239, MedGen C0265286, MONDO:0009130, OMIM 223800.

Allele frequency attached by ClinVar (database versions not stated): gnomAD exomes below 0.00001; gnomAD 0.00001.
gnomAD v4.1: 5 of 1,601,824 alleles (0.00031%); highest among the groups gnomAD compares: Non-Finnish European, 0.00043%; no homozygotes.

Submissions (2):

Kasturba Medical College, Manipal, Kasturba Medical College, Manipal, Manipal Academy of Higher Education, Manipal, India
Classification: Pathogenic for Dyggve-Melchior-Clausen syndrome. Last evaluated: 2022-05-09. Review status: criteria provided, single submitter. Criteria: ACMG Guidelines, 2015. Collection method: clinical testing. Allele origin: germline. Affected: yes.

Centre for Human Genetics
Classification: Likely pathogenic for Dyggve-Melchior-Clausen syndrome. Last evaluated: 2020-10-01. Review status: criteria provided, single submitter. Criteria: ACMG Guidelines, 2015. Collection method: clinical testing. Allele origin: germline. Affected: yes and no. Observed: 3 variant alleles. Segregation with disease observed.